The following is an entry in ClinVar:

ClinVar aggregate classification (germline): Uncertain significance. Review status: criteria provided, single submitter (1 of 4 stars). 2 submissions from 2 submitters: Uncertain significance (1). 1 of the submissions does not count toward it. Last evaluated 2025-08-10.

Conditions:
SEMA3G-related disorder. Also called: SEMA3G-related condition.

Allele frequency attached by ClinVar (database versions not stated): TOPMed below 0.00001; ExAC 0.00001; gnomAD exomes 0.00001.

Submissions (2):

Ambry Genetics
Classification: Uncertain significance. Last evaluated: 2025-08-10. Review status: criteria provided, single submitter. Criteria: Ambry Variant Classification Scheme 2023. Collection method: clinical testing. Allele origin: germline.

PreventionGenetics, part of Exact Sciences
Classification: Uncertain significance for SEMA3G-related condition. Last evaluated: 2024-02-12. Review status: no assertion criteria provided. Collection method: clinical testing. Allele origin: germline. Not counted in ClinVar's aggregate classification.
Comment: The SEMA3G c.1318G>A variant is predicted to result in the amino acid substitution p.Val440Met. To our knowledge, this variant has not been reported in the literature. This variant is reported in 0.0023% of alleles in individuals of European (Non-Finnish) descent in gnomAD. At this time, the clinical significance of this variant is uncertain due to the absence of conclusive functional and genetic evidence.

NM_020163.3(SEMA3G):c.1318G>A (p.Val440Met)

Gene: SEMA3G (semaphorin 3G; minus strand). Cytogenetic location: 3p21.1.
Variant type: single nucleotide variant.
Coding change: c.1318G>A on transcript NM_020163.3 (MANE Select); coding-DNA position 1318, G replaced by A.
Protein change: p.Val440Met; replaces valine 440 with methionine.
Molecular consequence: missense variant.
Genome position (GRCh38, 1-based): chr3:52,439,924, C>T on the plus strand (G>A on the coding strand, the complement: SEMA3G is on the minus strand). VCF-style: chr3-52439924-C-T. GRCh37 (hg19) VCF-style: chr3-52473940-C-T.
Other names: c.1318G>A (NM_020163.2); short protein forms V440M.
Identifiers: ClinVar variation 2290913 (VCV002290913.5), dbSNP rs759642182, ClinGen allele CA2437987.